The following is an entry in ClinVar:

NM_000532.5(PCCB):c.1484C>T (p.Pro495Leu)

Gene: PCCB (propionyl-CoA carboxylase subunit beta; plus strand). Cytogenetic location: 3q22.3.
Variant type: single nucleotide variant.
Coding change: c.1484C>T on transcript NM_000532.5 (MANE Select); coding-DNA position 1484, C replaced by T.
Protein change: p.Pro495Leu; replaces proline 495 with leucine.
Molecular consequence: missense variant.
Genome position (GRCh38, 1-based): chr3:136,328,843, C>T. VCF-style: chr3-136328843-C-T. GRCh37 (hg19) VCF-style: chr3-136047685-C-T.
Other names: c.1544C>T, p.Pro515Leu (NM_001178014.2); short protein forms P515L, P495L.
Identifiers: ClinVar variation 4693207 (VCV004693207.1).

ClinVar aggregate classification (germline): Uncertain significance (1 of 4 stars; one submission).

Conditions:
Propionic acidemia (PROP). Also called: GLYCINEMIA, KETOTIC; HYPERGLYCINEMIA WITH KETOACIDOSIS AND LEUKOPENIA; KETOTIC HYPERGLYCINEMIA. Identifiers: Orphanet 35, MedGen C0268579, MONDO:0011628, OMIM 606054, HP:0003571.

Submission:

Labcorp Genetics (formerly Invitae), Labcorp
Classification: Uncertain significance for Propionic acidemia. Last evaluated: 2025-05-23. Review status: criteria provided, single submitter. Criteria: Invitae Variant Classification Sherloc (09022015). Collection method: clinical testing. Allele origin: germline.
Comment: This sequence change replaces proline, which is neutral and non-polar, with leucine, which is neutral and non-polar, at codon 495 of the PCCB protein (p.Pro495Leu). This variant is not present in population databases (gnomAD no frequency). This variant has not been reported in the literature in individuals affected with PCCB-related conditions. Invitae Evidence Modeling of protein sequence and biophysical properties (such as structural, functional, and spatial information, amino acid conservation, physicochemical variation, residue mobility, and thermodynamic stability) has been performed for this missense variant. However, the output from this modeling did not meet the statistical confidence thresholds required to predict the impact of this variant on PCCB protein function. In summary, the available evidence is currently insufficient to determine the role of this variant in disease. Therefore, it has been classified as a Variant of Uncertain Significance.